The following is an entry in ClinVar:

NM_025132.4(WDR19):c.3232C>T (p.Leu1078Phe)

Gene: WDR19 (WD repeat domain 19; plus strand). Cytogenetic location: 4p14.
Variant type: single nucleotide variant.
Coding change: c.3232C>T on transcript NM_025132.4 (MANE Select); coding-DNA position 3232, C replaced by T.
Protein change: p.Leu1078Phe; replaces leucine 1078 with phenylalanine.
Molecular consequence: missense variant.
Genome position (GRCh38, 1-based): chr4:39,266,111, C>T. VCF-style: chr4-39266111-C-T. GRCh37 (hg19) VCF-style: chr4-39267731-C-T.
Other names: c.2752C>T, p.Leu918Phe (NM_001317924.2); short protein forms L1078F, L918F.
Identifiers: ClinVar variation 2936653 (VCV002936653.4), dbSNP rs1363976803, ClinGen allele CA356644900.

ClinVar aggregate classification (germline): Uncertain significance. Review status: criteria provided, multiple submitters, no conflicts (2 of 4 stars). 2 submissions from 2 submitters: Uncertain significance (2). Last evaluated 2025-10-02.

Conditions:
Senior-Loken syndrome 8 (SLSN8). Identifiers: Orphanet 3156, MedGen C4225376, MONDO:0014579, OMIM 616307.
Asphyxiating thoracic dystrophy 5 (SRTD5). Also called: SHORT-RIB THORACIC DYSPLASIA 5 WITHOUT POLYDACTYLY; SHORT-RIB THORACIC DYSPLASIA 5 WITH OR WITHOUT POLYDACTYLY. Identifiers: Orphanet 474, MedGen C3280598, MONDO:0013717, OMIM 614376.

Allele frequency attached by ClinVar (database versions not stated): gnomAD exomes 0.00001.
gnomAD v4.1: 4 of 1,563,142 alleles (0.00026%); highest among the groups gnomAD compares: Non-Finnish European, 0.00035%; no homozygotes.

Submissions (2):

Labcorp Genetics (formerly Invitae), Labcorp
Classification: Uncertain significance for Senior-Loken syndrome 8; Asphyxiating thoracic dystrophy 5. Last evaluated: 2025-10-02. Review status: criteria provided, single submitter. Criteria: Invitae Variant Classification Sherloc (09022015). Collection method: clinical testing. Allele origin: germline.
Comment: This sequence change replaces leucine, which is neutral and non-polar, with phenylalanine, which is neutral and non-polar, at codon 1078 of the WDR19 protein (p.Leu1078Phe). The frequency data for this variant in the population databases is considered unreliable, as metrics indicate poor data quality at this position in the gnomAD database. This variant has not been reported in the literature in individuals affected with WDR19-related conditions. ClinVar contains an entry for this variant (Variation ID: 2936653). Invitae Evidence Modeling of protein sequence and biophysical properties (such as structural, functional, and spatial information, amino acid conservation, physicochemical variation, residue mobility, and thermodynamic stability) has been performed for this missense variant. However, the output from this modeling did not meet the statistical confidence thresholds required to predict the impact of this variant on WDR19 protein function. In summary, the available evidence is currently insufficient to determine the role of this variant in disease. Therefore, it has been classified as a Variant of Uncertain Significance.

Blueprint Genetics
Classification: Uncertain significance. Last evaluated: 2019-02-08. Review status: criteria provided, single submitter. Criteria: ACMG Guidelines, 2015. Collection method: clinical testing. Allele origin: germline.